The following is an entry in ClinVar:

ClinVar aggregate classification (germline): Pathogenic (1 of 4 stars; one submission).

Submission:

GeneDx
Classification: Pathogenic. Last evaluated: 2017-03-14. Review status: criteria provided, single submitter. Criteria: GeneDx Variant Classification (06012015). Collection method: clinical testing. Allele origin: germline. Affected: yes.
Comment: The c.1265_1266delCT variant in the FOXP1 gene has not been reported previously as a pathogenic variant nor as a benign variant, to our knowledge. The c.1265_1266delCT variant causes a frameshift starting with codon Serine 422, changes this amino acid to a Cysteine residue, and creates a premature Stop codon at position 38 of the new reading frame, denoted p.Ser422CysfsX38. This variant is predicted to cause loss of normal protein function either through protein truncation or nonsense-mediated mRNA decay. The c.1265_1266delCT variant is not observed in large population cohorts (Lek et al., 2016; 1000 Genomes Consortium et al., 2015; Exome Variant Server). We interpret c.1265_1266delCT as a pathogenic variant.

NM_001349338.3(FOXP1):c.1265_1266del (p.Ser422fs)

Gene: FOXP1 (forkhead box P1; minus strand). Cytogenetic location: 3p13.
Variant type: Microsatellite.
Coding change: c.1265_1266del on transcript NM_001349338.3 (MANE Select); coding-DNA positions 1265 to 1266, 2 bases deleted (CT; older notation c.1265_1266delCT).
Protein change: p.Ser422fs; shifts the reading frame from serine 422.
Molecular consequence: frameshift variant. On other transcripts: non-coding transcript variant (2).
Genome position (GRCh38, 1-based): chr3:70,977,910-70,977,911, AG deleted on the plus strand (CT on the coding strand, the reverse complement: FOXP1 is on the minus strand); deleting any 2 consecutive bases within chr3:70,977,910-70,977,913 gives the same sequence; the c. name uses the placement nearest the transcript's 3' end. VCF-style (leftmost placement, unchanged base first): chr3-70977909-CAG-C. GRCh37 (hg19) VCF-style: chr3-71027060-CAG-C.
Other names: c.1265_1266del, p.Ser422fs (NM_001244808.3, NM_001244810.2, NM_001244814.3 and 3 more transcripts); c.1037_1038del, p.Ser346fs (NM_001244812.3); c.965_966del, p.Ser322fs (NM_001244813.3, NM_001244815.2, NM_001349342.3 and 1 more transcripts); c.962_963del, p.Ser321fs (NM_001349337.2, NM_001349343.3, NM_001349344.3); c.1262_1263del, p.Ser421fs (NM_001349341.3); c.1265_1266delCT (NM_032682.5); short protein forms S346fs, S322fs, S421fs, S321fs, S422fs.
Identifiers: ClinVar variation 424328 (VCV000424328.2), dbSNP rs1064796914, ClinGen allele CA16618008.